The following is an entry in ClinVar:

ClinVar aggregate classification (germline): Likely pathogenic. Review status: criteria provided, single submitter (1 of 4 stars). 2 submissions from 2 submitters: Likely pathogenic (1). 1 of the submissions does not count toward it. Last evaluated 2025-06-04.

Conditions:
Pyruvate dehydrogenase E1-alpha deficiency (PDHAD). Also called: ATAXIA, INTERMITTENT, WITH ABNORMAL PYRUVATE METABOLISM; ATAXIA, INTERMITTENT, WITH PYRUVATE DEHYDROGENASE DEFICIENCY; ATAXIA WITH LACTIC ACIDOSIS I; Ataxia, intermittent, with pyruvate dehydrogenase, or decarboxylase, deficiency. Identifiers: Orphanet 79243, MedGen C1839413, MONDO:0010717, OMIM 312170.

Submissions (2):

3billion
Classification: Likely pathogenic for Pyruvate dehydrogenase E1-alpha deficiency. Last evaluated: 2025-06-04. Review status: criteria provided, single submitter. Criteria: ACMG Guidelines, 2015. Collection method: clinical testing. Allele origin: germline. Affected: yes.
Comment: The variant is not observed in the gnomAD v4.1.0 dataset. Predicted Consequence/Location: The variant is located in a mutational hot spot and/or well-established functional domain in which established pathogenic variants have been reported (N/A). In silico tool predictions suggest damaging effect of the variant on gene or gene product [REVEL: 0.93 (>=0.6, sensitivity 0.68 and specificity 0.92); 3Cnet: 0.61 (> 0.75, sensitivity 0.96 and precision 0.92)]. The different nucleotide change resulting in the same amino acid change has been previously reported to be associated with PDHA1-related disorder(ClinVar ID: VCV000860913). A different missense change at the same codon (p.Met229Leu) has been reported to be associated with PDHA1-related disorder (ClinVar ID: VCV001324869). Therefore, this variant is classified as Likely pathogenic according to the recommendation of ACMG/AMP guideline.

PDHA1 Study Group, University Children’s Hospital, Paracelsus Medical University
Classification: Pathogenic for Pyruvate dehydrogenase E1-alpha deficiency. Last evaluated: 2024-10-15. Review status: no assertion criteria provided. Collection method: research. Allele origin: de novo. Affected: yes. Observed: 2 variant alleles. Not counted in ClinVar's aggregate classification.
Comment: The NM_000284.3:c.687G>A (p.Met229Ile) substitution is a missense variant in PDHA1 gene. In total, 2 individuals were diagnosed with PDHA1-related Pyruvate dehydrogenase complex (PDHc) deficiency (MIM #312170). Among them, 1 case had confirmed de novo occurrence. This variant has been identified in 2 unpublished cases from internal data. Last literature search: July 12, 2024. This variant is absent or extremely rare in population-based cohorts in the Genome Aggregation Database (gnomAD). Individuals harboring this variant presented with clinical features compatible with PDHA1-related PDHc deficiency. In summary, this variant meets criteria to be classified as pathogenic (P) for PDHA1-related PDHc deficiency based on the ACMG/AMP criteria applied: PS1, PS3, PM1, PM2, PP3 (last assessment October 15, 2024).

Literature cited by the submitters: DOI 10.1093/brain/awaf430 (cited by PDHA1 Study Group, University Children’s Hospital, Paracelsus Medical University).

NM_000284.4(PDHA1):c.687G>A (p.Met229Ile)

Gene: PDHA1 (pyruvate dehydrogenase E1 subunit alpha 1; plus strand). Cytogenetic location: Xp22.12.
Variant type: single nucleotide variant.
Coding change: c.687G>A on transcript NM_000284.4 (MANE Select); coding-DNA position 687, G replaced by A.
Protein change: p.Met229Ile; replaces methionine 229 with isoleucine.
Molecular consequence: missense variant.
Genome position (GRCh38, 1-based): chrX:19,355,432, G>A. VCF-style: chrX-19355432-G-A. GRCh37 (hg19) VCF-style: chrX-19373550-G-A.
Other names: c.801G>A, p.Met267Ile (NM_001173454.2); c.708G>A, p.Met236Ile (NM_001173455.2); c.594G>A, p.Met198Ile (NM_001173456.2); short protein forms M198I, M229I, M236I, M267I.
Identifiers: ClinVar variation 4070507 (VCV004070507.2).
Genomic context (GRCh38, chrX:19,355,432, plus strand): 5'-CATGGCAGCTTTGTGGAAATTACCTTGTATTTTCATCTGTGAGAATAATCGCTATGGAAT[G>A]GGAACGTCTGTTGAGAGAGCGGCAGCCAGCACTGATTACTACAAGAGAGGCGATTTCATT-3'
Protein context (NP_000275.1, residues 219-239): IFICENNRYG[Met229Ile]GTSVERAAAS